The following is an entry in ClinVar:

NM_000059.4(BRCA2):c.1023_1024del (p.Cys341_Glu342delinsTer)

Gene: BRCA2 (BRCA2 DNA repair associated; plus strand). Cytogenetic location: 13q13.1.
Variant type: Microsatellite.
Coding change: c.1023_1024del on transcript NM_000059.4 (MANE Select); coding-DNA positions 1023 to 1024, 2 bases deleted (TG; older notation c.1023_1024delTG).
Protein change: p.Cys341_Glu342delinsTer.
Molecular consequence: nonsense.
Genome position (GRCh38, 1-based): chr13:32,332,501-32,332,502, TG deleted; deleting any 2 consecutive bases within chr13:32,332,499-32,332,502 gives the same sequence; the c. name uses the placement nearest the transcript's 3' end. VCF-style (leftmost placement, unchanged base first): chr13-32332498-ATG-A. GRCh37 (hg19) VCF-style: chr13-32906635-ATG-A.
Other names: c.1023_1024delTG (NM_000059.3).
Identifiers: ClinVar variation 628897 (VCV000628897.7), dbSNP rs1593891760, ClinGen allele CA913188594.

ClinVar aggregate classification (germline): Pathogenic. Review status: criteria provided, multiple submitters, no conflicts (2 of 4 stars). 3 submissions from 3 submitters: Pathogenic (3). Last evaluated 2024-05-30.

Conditions:
Breast-ovarian cancer, familial, susceptibility to, 2 (BROVCA2). Also called: BRCA2 Hereditary Breast and Ovarian Cancer. Identifiers: Orphanet 145, MedGen C2675520, MONDO:0012933, OMIM 612555. Disease mechanism: loss of function.
Hereditary cancer-predisposing syndrome. Also called: Tumor predisposition; Neoplastic Syndromes, Hereditary; Hereditary Cancer Syndrome; Hereditary neoplastic syndrome. Identifiers: Orphanet 140162, MedGen C0027672, MeSH D009386, MONDO:0015356.

Submissions (3):

Myriad Genetics, Inc.
Classification: Pathogenic for Breast-ovarian cancer, familial, susceptibility to, 2. Last evaluated: 2024-05-30. Review status: criteria provided, single submitter. Criteria: Myriad Autosomal Dominant, Autosomal Recessive and X-Linked Classification Criteria (2023). Collection method: clinical testing. Allele origin: unknown.
Comment: This variant is considered pathogenic. This variant creates a termination codon and is predicted to result in premature protein truncation.

Ambry Genetics
Classification: Pathogenic for Hereditary cancer-predisposing syndrome. Last evaluated: 2022-03-26. Review status: criteria provided, single submitter. Criteria: Ambry Variant Classification Scheme 2023. Collection method: clinical testing. Allele origin: germline.
Comment: The c.1023_1024delTG pathogenic mutation, located in coding exon 9 of the BRCA2 gene, results from a deletion of two nucleotides at nucleotide positions 1023 to 1024, causing a translational frameshift with a predicted alternate stop codon (p.C341*). This variant is considered to be rare based on population cohorts in the Genome Aggregation Database (gnomAD). This alteration is expected to result in loss of function by premature protein truncation or nonsense-mediated mRNA decay. As such, this alteration is interpreted as a disease-causing mutation.

Color Diagnostics, LLC DBA Color Health
Classification: Pathogenic for Hereditary cancer-predisposing syndrome. Last evaluated: 2020-01-15. Review status: criteria provided, single submitter. Criteria: ACMG Guidelines, 2015. Collection method: clinical testing. Allele origin: germline.
Comment: This variant deletes 2 nucleotides in exon 10 of the BRCA2 gene, creating a frameshift and premature translation stop signal. This variant is expected to result in an absent or non-functional protein product. This variant has not been identified in the general population by the Genome Aggregation Database (gnomAD). Loss of BRCA2 function is a known mechanism of disease. Based on the available evidence, this variant is classified as Pathogenic.